The following is an entry in ClinVar:

ClinVar aggregate classification (germline): Pathogenic (1 of 4 stars; one submission).

Conditions:
Aicardi-Goutieres syndrome 5. Identifiers: Orphanet 51, MedGen C2749659, MONDO:0013059, OMIM 612952.

Submission:

Labcorp Genetics (formerly Invitae), Labcorp
Classification: Pathogenic for Aicardi-Goutieres syndrome 5. Last evaluated: 2022-10-23. Review status: criteria provided, single submitter. Criteria: Invitae Variant Classification Sherloc (09022015). Collection method: clinical testing. Allele origin: germline.
Comment: This variant is a gross deletion of the genomic region encompassing exon(s) 1 of the SAMHD1 gene, which includes the initiator codon. This deletion extends beyond the assayed region for this gene and therefore may encompass additional genes. It is expected to result in an absent or disrupted protein product. Loss-of-function variants in SAMHD1 are known to be pathogenic (PMID: 19525956, 22461318). A similar copy number variant has been observed in individual(s) with Aicardi-Goutieres syndrome (PMID: 20653736, 24183309). For these reasons, this variant has been classified as Pathogenic.

Literature cited by the submitters: PubMed 19525956; PubMed 22461318; PubMed 20653736; PubMed 24183309.

NC_000020.11:g.(?_36951426)_(36951653_?)del

Gene: SAMHD1 (SAM and HD domain containing deoxynucleoside triphosphate triphosphohydrolase 1; minus strand). Cytogenetic location: 20q11.23.
Variant type: Deletion.
Identifiers: ClinVar variation 653534 (VCV000653534.6).